The following is an entry in ClinVar:

NM_004252.5(NHERF1):c.521A>G (p.Lys174Arg)

Gene: NHERF1 (NHERF family PDZ scaffold protein 1; plus strand). Cytogenetic location: 17q25.1.
Variant type: single nucleotide variant.
Coding change: c.521A>G on transcript NM_004252.5 (MANE Select); coding-DNA position 521, A replaced by G.
Protein change: p.Lys174Arg; replaces lysine 174 with arginine.
Molecular consequence: missense variant.
Genome position (GRCh38, 1-based): chr17:74,762,091, A>G. VCF-style: chr17-74762091-A-G. GRCh37 (hg19) VCF-style: chr17-72758230-A-G.
Other names: short protein forms K174R.
Identifiers: ClinVar variation 2899964 (VCV002899964.3), dbSNP rs752778784, ClinGen allele CA8750614.

ClinVar aggregate classification (germline): Uncertain significance (1 of 4 stars; one submission).

Allele frequency attached by ClinVar (database versions not stated): ExAC 0.00001; gnomAD exomes 0.00001.
gnomAD v4.1: 6 of 1,614,158 alleles (0.00037%); highest among the groups gnomAD compares: South Asian, 0.0011%; no homozygotes.

Submission:

Labcorp Genetics (formerly Invitae), Labcorp
Classification: Uncertain significance. Last evaluated: 2023-06-23. Review status: criteria provided, single submitter. Criteria: Invitae Variant Classification Sherloc (09022015). Collection method: clinical testing. Allele origin: germline.
Comment: Algorithms developed to predict the effect of missense changes on protein structure and function output the following: SIFT: "Not Available"; PolyPhen-2: "Benign"; Align-GVGD: "Not Available". The arginine amino acid residue is found in multiple mammalian species, which suggests that this missense change does not adversely affect protein function. In summary, the available evidence is currently insufficient to determine the role of this variant in disease. Therefore, it has been classified as a Variant of Uncertain Significance. This variant has not been reported in the literature in individuals affected with SLC9A3R1-related conditions. This variant is present in population databases (rs752778784, gnomAD 0.003%). This sequence change replaces lysine, which is basic and polar, with arginine, which is basic and polar, at codon 174 of the SLC9A3R1 protein (p.Lys174Arg).